The following is an entry in ClinVar:

NM_000321.3(RB1):c.2325+1G>T

Gene: RB1 (RB transcriptional corepressor 1; plus strand). Cytogenetic location: 13q14.2.
Variant type: single nucleotide variant.
Coding change: c.2325+1G>T on transcript NM_000321.3 (MANE Select); the canonical splice donor site of the intron after coding-DNA position 2325, G replaced by T.
Molecular consequence: splice donor variant.
Genome position (GRCh38, 1-based): chr13:48,465,112, G>T. VCF-style: chr13-48465112-G-T. GRCh37 (hg19) VCF-style: chr13-49039248-G-T.
Other names: c.2325+1G>T (NM_001407165.1).
Identifiers: ClinVar variation 995886 (VCV000995886.2), dbSNP rs1131690882, ClinGen allele CA388167739.
Genomic context (GRCh38, chr13:48,465,112, plus strand): 5'-TATAACTCGGTCTTCATGCAGAGACTGAAAACAAATATTTTGCAGTATGCTTCCACCAGG[G>T]TAGGTCAAAAGTATCCTTTGATTGGAAAAATCTAATGTAATGGGTCCACCAAAACATTAA-3'

ClinVar aggregate classification (germline): Pathogenic. Review status: criteria provided, multiple submitters, no conflicts (2 of 4 stars). 2 submissions from 2 submitters: Pathogenic (2). Last evaluated 2024-05-20.

Conditions:
Retinoblastoma (RB1). Also called: RETINOBLASTOMA, SOMATIC. Identifiers: Orphanet 790, MedGen C0035335, MeSH D012175, MONDO:0008380, OMIM 180200, HP:0009919. Disease mechanism: loss of function. Inheritance: Both sporadic and heritable forms are tested..

Submissions (2):

Genetic Diagnostic Laboratory, University of Pennsylvania School of Medicine
Classification: Pathogenic for Retinoblastoma. Last evaluated: 2024-05-20. Review status: criteria provided, single submitter. Criteria: ACMG Guidelines, 2015. Collection method: clinical testing. Allele origin: germline. Affected: yes. Observed: 1 variant allele.
Comment: Case and Pedigree Information: BILATERAL CASES:1, UNILATERAL CASES:0, TOTAL CASES:1, PEDIGREES:1. ACMG Codes Applied:PVS1, PM2

Department of Pediatrics, Memorial Sloan Kettering Cancer Center
Classification: Pathogenic for Retinoblastoma. Last evaluated: 2020-12-15. Review status: criteria provided, single submitter. Criteria: ACMG Guidelines, 2015. Collection method: research. Allele origin: germline. Affected: yes.

Literature cited by the submitters: PubMed 28873162 (cited by Department of Pediatrics, Memorial Sloan Kettering Cancer Center).